The following is an entry in ClinVar:

NM_005048.4(PTH2R):c.272A>G (p.Tyr91Cys)

Gene: PTH2R (parathyroid hormone 2 receptor; plus strand). Cytogenetic location: 2q34.
Variant type: single nucleotide variant.
Coding change: c.272A>G on transcript NM_005048.4 (MANE Select); coding-DNA position 272, A replaced by G.
Protein change: p.Tyr91Cys; replaces tyrosine 91 with cysteine.
Molecular consequence: missense variant. On other transcripts: 5 prime UTR variant (4), non-coding transcript variant (4).
Genome position (GRCh38, 1-based): chr2:208,437,630, A>G. VCF-style: chr2-208437630-A-G. GRCh37 (hg19) VCF-style: chr2-209302355-A-G.
Other names: c.-62A>G (NM_001309516.2, NM_001371905.1, NM_001371906.1 and 1 more transcripts); short protein forms Y91C.
Identifiers: ClinVar variation 3057830 (VCV003057830.2), dbSNP rs759373744, ClinGen allele CA2080953.

ClinVar aggregate classification (germline): Likely benign (0 of 4 stars; one submission).

Conditions:
PTH2R-related disorder. Also called: PTH2R-related condition.

Allele frequency attached by ClinVar (database versions not stated): gnomAD 0.00005; gnomAD exomes 0.00016; TOPMed 0.00016; ExAC 0.00031.
gnomAD v4.1: 106 of 1,612,630 alleles (0.0066%); highest among the groups gnomAD compares: Admixed American, 0.17%; 1 homozygote.

Submission:

PreventionGenetics, part of Exact Sciences
Classification: Likely benign for PTH2R-related condition. Last evaluated: 2022-06-07. Review status: no assertion criteria provided. Collection method: clinical testing. Allele origin: germline.
Comment: This variant is classified as likely benign based on ACMG/AMP sequence variant interpretation guidelines (Richards et al. 2015 PMID: 25741868, with internal and published modifications).